The following is an entry in ClinVar:

NM_000142.5(FGFR3):c.14C>T (p.Ala5Val)

Gene: FGFR3 (fibroblast growth factor receptor 3; plus strand). Cytogenetic location: 4p16.3.
Variant type: single nucleotide variant.
Coding change: c.14C>T on transcript NM_000142.5 (MANE Select); coding-DNA position 14, C replaced by T.
Protein change: p.Ala5Val; replaces alanine 5 with valine.
Molecular consequence: missense variant. On other transcripts: non-coding transcript variant (1).
Genome position (GRCh38, 1-based): chr4:1,793,948, C>T. VCF-style: chr4-1793948-C-T. GRCh37 (hg19) VCF-style: chr4-1795675-C-T.
Other names: c.14C>T, p.Ala5Val (NM_001163213.2, NM_001354809.2, NM_001354810.2 and 1 more transcripts); short protein forms A5V.
Identifiers: ClinVar variation 2907936 (VCV002907936.3), dbSNP rs2546775355, ClinGen allele CA355985174.

ClinVar aggregate classification (germline): Uncertain significance (1 of 4 stars; one submission).

Submission:

Labcorp Genetics (formerly Invitae), Labcorp
Classification: Uncertain significance. Last evaluated: 2022-11-07. Review status: criteria provided, single submitter. Criteria: Invitae Variant Classification Sherloc (09022015). Collection method: clinical testing. Allele origin: germline.
Comment: This variant has not been reported in the literature in individuals affected with FGFR3-related conditions. Advanced modeling of protein sequence and biophysical properties (such as structural, functional, and spatial information, amino acid conservation, physicochemical variation, residue mobility, and thermodynamic stability) has been performed at Invitae for this missense variant, however the output from this modeling did not meet the statistical confidence thresholds required to predict the impact of this variant on FGFR3 protein function. In summary, the available evidence is currently insufficient to determine the role of this variant in disease. Therefore, it has been classified as a Variant of Uncertain Significance. This variant is not present in population databases (gnomAD no frequency). This sequence change replaces alanine, which is neutral and non-polar, with valine, which is neutral and non-polar, at codon 5 of the FGFR3 protein (p.Ala5Val).